The following is an entry in ClinVar:

NM_004006.3(DMD):c.4960A>G (p.Ser1654Gly)

Gene: DMD (dystrophin; minus strand). Cytogenetic location: Xp21.1.
Variant type: single nucleotide variant.
Coding change: c.4960A>G on transcript NM_004006.3 (MANE Select); coding-DNA position 4960, A replaced by G.
Protein change: p.Ser1654Gly; replaces serine 1654 with glycine.
Molecular consequence: missense variant.
Genome position (GRCh38, 1-based): chrX:32,365,085, T>C on the plus strand (A>G on the coding strand, the complement: DMD is on the minus strand). VCF-style: chrX-32365085-T-C. GRCh37 (hg19) VCF-style: chrX-32383202-T-C.
Other names: c.4936A>G, p.Ser1646Gly (NM_000109.4); c.4948A>G, p.Ser1650Gly (NM_004009.3); c.4591A>G, p.Ser1531Gly (NM_004010.3); c.937A>G, p.Ser313Gly (NM_004011.4); c.928A>G, p.Ser310Gly (NM_004012.4); short protein forms S1654G, S310G, S1646G, S313G, S1531G, S1650G.
Identifiers: ClinVar variation 1393817 (VCV001393817.6), dbSNP rs2147259553, ClinGen allele CA412671991.

ClinVar aggregate classification (germline): Uncertain significance (1 of 4 stars; one submission).

Conditions:
Duchenne muscular dystrophy (DMD). Also called: MUSCULAR DYSTROPHY, PSEUDOHYPERTROPHIC PROGRESSIVE, DUCHENNE TYPE; Duchenne Muscular Dystrophy (DMD). Identifiers: Orphanet 98896, MedGen C0013264, MONDO:0010679, OMIM 310200.

Submission:

Labcorp Genetics (formerly Invitae), Labcorp
Classification: Uncertain significance for Duchenne muscular dystrophy. Last evaluated: 2022-03-22. Review status: criteria provided, single submitter. Criteria: Invitae Variant Classification Sherloc (09022015). Collection method: clinical testing. Allele origin: germline.
Comment: This sequence change replaces serine, which is neutral and polar, with glycine, which is neutral and non-polar, at codon 1654 of the DMD protein (p.Ser1654Gly). In summary, the available evidence is currently insufficient to determine the role of this variant in disease. Therefore, it has been classified as a Variant of Uncertain Significance. Algorithms developed to predict the effect of missense changes on protein structure and function are either unavailable or do not agree on the potential impact of this missense change (SIFT: "Deleterious"; PolyPhen-2: "Benign"; Align-GVGD: "Class C55"). This missense change has been observed in individual(s) with DMD-related conditions (Invitae). This variant is not present in population databases (gnomAD no frequency).